The following is an entry in ClinVar:

NM_000321.3(RB1):c.307A>G (p.Ile103Val)

Gene: RB1 (RB transcriptional corepressor 1; plus strand). Cytogenetic location: 13q14.2.
Variant type: single nucleotide variant.
Coding change: c.307A>G on transcript NM_000321.3 (MANE Select); coding-DNA position 307, A replaced by G.
Protein change: p.Ile103Val; replaces isoleucine 103 with valine.
Molecular consequence: missense variant.
Genome position (GRCh38, 1-based): chr13:48,342,641, A>G. VCF-style: chr13-48342641-A-G. GRCh37 (hg19) VCF-style: chr13-48916777-A-G.
Other names: c.307A>G, p.Ile103Val (NM_001407165.1, NM_001407166.1); short protein forms I103V.
Identifiers: ClinVar variation 3231235 (VCV003231235.1), dbSNP rs2138083745, ClinGen allele CA388252406.

ClinVar aggregate classification (germline): Uncertain significance (1 of 4 stars; one submission).

Conditions:
Hereditary cancer-predisposing syndrome. Also called: Neoplastic Syndromes, Hereditary; Tumor predisposition; Hereditary neoplastic syndrome; Hereditary Cancer Syndrome. Identifiers: Orphanet 140162, MedGen C0027672, MeSH D009386, MONDO:0015356.

Submission:

Ambry Genetics
Classification: Uncertain significance for Hereditary cancer-predisposing syndrome. Last evaluated: 2023-12-26. Review status: criteria provided, single submitter. Criteria: Ambry Variant Classification Scheme 2023. Collection method: clinical testing. Allele origin: germline.
Comment: The p.I103V variant (also known as c.307A>G), located in coding exon 3 of the RB1 gene, results from an A to G substitution at nucleotide position 307. The isoleucine at codon 103 is replaced by valine, an amino acid with highly similar properties. This amino acid position is conserved. In addition, this alteration is predicted to be tolerated by in silico analysis. Since supporting evidence is limited at this time, the clinical significance of this alteration remains unclear.